The following is an entry in ClinVar:

NM_032977.4(CASP10):c.797C>T (p.Ser266Phe)

Gene: CASP10 (caspase 10; plus strand). Cytogenetic location: 2q33.1.
Variant type: single nucleotide variant.
Coding change: c.797C>T on transcript NM_032977.4 (MANE Select); coding-DNA position 797, C replaced by T.
Protein change: p.Ser266Phe; replaces serine 266 with phenylalanine.
Molecular consequence: missense variant. On other transcripts: intron variant (4).
Genome position (GRCh38, 1-based): chr2:201,205,957, C>T. VCF-style: chr2-201205957-C-T. GRCh37 (hg19) VCF-style: chr2-202070680-C-T.
Other names: c.797C>T, p.Ser266Phe (NM_032974.5); c.685-2118C>T (NM_001206542.2, NM_001230.5); c.722-2118C>T (NM_032976.4); c.721+2191C>T (NM_001206524.2); short protein forms S266F.
Identifiers: ClinVar variation 849666 (VCV000849666.13), dbSNP rs148554420, ClinGen allele CA2053048.

ClinVar aggregate classification (germline): Uncertain significance. Review status: criteria provided, multiple submitters, no conflicts (2 of 4 stars). 2 submissions from 2 submitters: Uncertain significance (2). Last evaluated 2025-08-04.

Conditions:
Autoimmune lymphoproliferative syndrome type 2A (ALPS2A). Also called: AUTOIMMUNE LYMPHOPROLIFERATIVE SYNDROME, TYPE IIA; Autoimmune lymphoproliferative syndrome type 2; CASP10-Related Autoimmune Lymphoproliferative Syndrome. Identifiers: Orphanet 3261, MedGen C1858968, MONDO:0011383, OMIM 603909.

Allele frequency attached by ClinVar (database versions not stated): gnomAD exomes 0.00001 and 0.00004; ExAC 0.00002; ESP Exome Variant Server 0.00008; TOPMed 0.00008; gnomAD 0.00012; 1000 Genomes Project 0.00040; 1000 Genomes Project 30x 0.00047.
gnomAD v4.1: 24 of 1,611,216 alleles (0.0015%); highest among the groups gnomAD compares: African/African-American, 0.031%; no homozygotes.

Submissions (2):

Ambry Genetics
Classification: Uncertain significance. Last evaluated: 2025-08-04. Review status: criteria provided, single submitter. Criteria: Ambry Variant Classification Scheme 2023. Collection method: clinical testing. Allele origin: germline.

Labcorp Genetics (formerly Invitae), Labcorp
Classification: Uncertain significance for Autoimmune lymphoproliferative syndrome type 2A. Last evaluated: 2024-11-27. Review status: criteria provided, single submitter. Criteria: Invitae Variant Classification Sherloc (09022015). Collection method: clinical testing. Allele origin: germline.
Comment: This sequence change replaces serine, which is neutral and polar, with phenylalanine, which is neutral and non-polar, at codon 266 of the CASP10 protein (p.Ser266Phe). This variant is present in population databases (rs148554420, gnomAD 0.05%). This variant has not been reported in the literature in individuals affected with CASP10-related conditions. ClinVar contains an entry for this variant (Variation ID: 849666). Invitae Evidence Modeling of protein sequence and biophysical properties (such as structural, functional, and spatial information, amino acid conservation, physicochemical variation, residue mobility, and thermodynamic stability) indicates that this missense variant is not expected to disrupt CASP10 protein function with a negative predictive value of 80%. In summary, the available evidence is currently insufficient to determine the role of this variant in disease. Therefore, it has been classified as a Variant of Uncertain Significance.